The following is an entry in ClinVar:

NM_007294.4(BRCA1):c.5260G>C (p.Glu1754Gln)

Gene: BRCA1 (BRCA1 DNA repair associated; minus strand). Cytogenetic location: 17q21.31.
Variant type: single nucleotide variant.
Coding change: c.5260G>C on transcript NM_007294.4 (MANE Select); coding-DNA position 5260, G replaced by C.
Protein change: p.Glu1754Gln; replaces glutamic acid 1754 with glutamine.
Molecular consequence: missense variant. On other transcripts: non-coding transcript variant (1).
Genome position (GRCh38, 1-based): chr17:43,057,069, C>G on the plus strand (G>C on the coding strand, the complement: BRCA1 is on the minus strand). VCF-style: chr17-43057069-C-G. GRCh37 (hg19) VCF-style: chr17-41209086-C-G.
Other names: c.5260G>C, p.Glu1754Gln (NM_001407596.1, NM_001407597.1, NM_001407598.1 and 7 more transcripts); c.5257G>C, p.Glu1753Gln (NM_001407610.1, NM_001407611.1, NM_001407612.1 and 17 more transcripts); c.5254G>C, p.Glu1752Gln (NM_001407628.1, NM_001407629.1, NM_001407630.1 and 14 more transcripts); c.5203G>C, p.Glu1735Gln (NM_001407648.1); c.5200G>C, p.Glu1734Gln (NM_001407649.1); c.5182G>C, p.Glu1728Gln (NM_001407652.1, NM_001407653.1, NM_001407654.1 and 1 more transcripts); c.5179G>C, p.Glu1727Gln (NM_001407656.1, NM_001407657.1, NM_001407658.1); c.5137G>C, p.Glu1713Gln (NM_001407669.1, NM_001407664.1, NM_001407665.1 and 6 more transcripts); and 72 more; short protein forms E1754Q, E1707Q, E1775Q, E650Q, E1641Q, E1665Q, E1682Q, E1686Q.
Identifiers: ClinVar variation 462666 (VCV000462666.25), dbSNP rs80357432, ClinGen allele CA054279.

ClinVar aggregate classification (germline): Conflicting classifications of pathogenicity. Review status: criteria provided, conflicting classifications (1 of 4 stars). 8 submissions from 8 submitters: Uncertain significance (3); Benign (1); Likely benign (3). 1 of the submissions does not count toward it. Last evaluated 2025-09-17.

Conditions:
Hereditary breast ovarian cancer syndrome. Also called: Hereditary breast and ovarian cancer syndrome (HBOC); BRCA1- and BRCA2-Associated Hereditary Breast and Ovarian Cancer; Hereditary breast and/or ovarian cancer syndrome; Hereditary breast and ovarian cancer syndrome; Hereditary breast and ovarian cancer; Breast and ovarian cancer. Identifiers: Orphanet 145, MedGen C0677776, MeSH D061325, MONDO:0003582. Disease mechanism: loss of function.
Hereditary cancer-predisposing syndrome. Also called: Neoplastic Syndromes, Hereditary; Hereditary neoplastic syndrome; Tumor predisposition; Hereditary Cancer Syndrome. Identifiers: Orphanet 140162, MedGen C0027672, MeSH D009386, MONDO:0015356.
Breast-ovarian cancer, familial, susceptibility to, 1 (BROVCA1). Also called: BRCA1 Hereditary Breast and Ovarian Cancer; OVARIAN CANCER, SUSCEPTIBILITY TO. Identifiers: Orphanet 145, MedGen C2676676, MONDO:0011450, OMIM 604370. Disease mechanism: loss of function.

Allele frequency attached by ClinVar (database versions not stated): ExAC 0.00003.
gnomAD v4.1: 24 of 1,614,060 alleles (0.0015%); highest among the groups gnomAD compares: South Asian, 0.026%; no homozygotes.

Submissions (9):

Color Diagnostics, LLC DBA Color Health
Classification: Likely benign for Hereditary cancer-predisposing syndrome. Last evaluated: 2025-09-17. Review status: criteria provided, single submitter. Criteria: ACMG Guidelines, 2015. Collection method: clinical testing. Allele origin: germline.

Labcorp Genetics (formerly Invitae), Labcorp
Classification: Uncertain significance for Hereditary breast ovarian cancer syndrome. Last evaluated: 2024-11-15. Review status: criteria provided, single submitter. Criteria: Invitae Variant Classification Sherloc (09022015). Collection method: clinical testing. Allele origin: germline.
Comment: This sequence change replaces glutamic acid, which is acidic and polar, with glutamine, which is neutral and polar, at codon 1754 of the BRCA1 protein (p.Glu1754Gln). This variant is present in population databases (rs80357432, gnomAD 0.02%). This variant has not been reported in the literature in individuals affected with BRCA1-related conditions. ClinVar contains an entry for this variant (Variation ID: 462666). Invitae Evidence Modeling incorporating data from in vitro experimental studies (PMID: 30209399) indicates that this missense variant is not expected to disrupt BRCA1 function with a negative predictive value of 95%. Experimental studies have shown that this missense change does not substantially affect BRCA1 function (PMID: 30209399). In summary, the available evidence is currently insufficient to determine the role of this variant in disease. Therefore, it has been classified as a Variant of Uncertain Significance.

Myriad Genetics, Inc.
Classification: Likely benign for Breast-ovarian cancer, familial, susceptibility to, 1. Last evaluated: 2024-09-03. Review status: criteria provided, single submitter. Criteria: Myriad Autosomal Dominant, Autosomal Recessive and X-Linked Classification Criteria (2023). Collection method: clinical testing. Allele origin: unknown.
Comment: This variant is considered likely benign. This variant is strongly associated with less severe personal and family histories of cancer, typical for individuals without pathogenic variants in this gene [PMID: 25085752].

Lupski Lab, Baylor-Hopkins CMG, Baylor College of Medicine
Classification: Likely benign for Breast-ovarian cancer, familial, susceptibility to, 1. Last evaluated: 2024-04-12. Review status: criteria provided, single submitter. Criteria: Dawood et al. (medRxiv. 2024). Collection method: curation. Allele origin: germline.
Comment: Each variant was annotated with functional scores from MAVE data which was translated into functional evidence codes. All other evidence codes and combining criteria were adhered to as closely as possible based on the ClinGen VCEP (Variant Curation Expert Panel) gene-specific recommendations. See Supplemental Figure 34 of final paper (Supp Fig. 28 in preprint: doi:10.1101/2024.04.11.24305690) for a table to see which lines of evidence we did not have data for. The ClinGen VCEPs are highly regarded as the gold-standard for gene-specific variant curation and are developed after extensive evaluation of the evidence by clinical and scientific experts for the particular gene to classify genomic variants on a spectrum from pathogenic to benign using the 2015 ACMG/AMP Variant Interpretation Guidelines as a backbone (PMID: 25741868). Reclassification of these VUS variants from gnomAD or All of Us focused only on variants originally prescribed as VUS in ClinVar. To ensure reproducibility, transparency, and increased throughput, all the procedures for annotating variants and assigning evidence codes were codified using Python. All code has been made freely available and is linked in the Code Availability section and all reclassified variants with evidence codes used can be found in Tables S18-19 (preprint: doi:10.1101/2024.04.11.24305690). For the MAVE data, the clinical curation and clinical strength assignment as per the ClinGen recommendations in Brnich et al. (2020) (PMID: 31892348) for or against pathogenicity or benignity of each of these MAVE datasets utilized in this study were previously published in Fayer et al. (2021) (PMID: 34793697).In brief, for BRCA1 variants, if a variant was categorized as FUNC (functional), it was assigned BS3 evidence and no PS3 evidence, whereas if it was categorized as LOF (loss of function), the variant was assigned PS3 evidence and no BS3 evidence. Variants categorized as INT (intermediate) were left unannotated. For the BRCA1 combining criteria, greater than or equal to 1 criteria of strong benign evidence was enough to reclassify the VUS as Likely Benign. This variant GRCh38:17:43057069:C>G was assigned evidence codes ['BS3', 'BP4', 'BS1_Supporting'] and an overall classification of Likely benign

All of Us Research Program, National Institutes of Health
Classification: Uncertain significance for Breast-ovarian cancer, familial, susceptibility to, 1. Last evaluated: 2023-08-15. Review status: criteria provided, single submitter. Criteria: ACMG Guidelines, 2015. Collection method: clinical testing. Allele origin: germline. Inheritance: Autosomal dominant inheritance. Observed: 1 variant allele, 1 heterozygote.
Comment: This missense variant replaces glutamic acid with glutamine at codon 1754 of the BRCA1 protein. Computational prediction suggests that this variant may not impact protein structure and function (internally defined REVEL score threshold <= 0.5, PMID: 27666373). A functional study reported that this variant does not impact BRCA1 function in a haploid cell proliferation assay (PMID: 30209399). This variant has not been reported in individuals affected with hereditary cancer in the literature. This variant has been identified in 9/251494 chromosomes in the general population by the Genome Aggregation Database (gnomAD). The available evidence is insufficient to determine the role of this variant in disease conclusively. Therefore, this variant is classified as a Variant of Uncertain Significance.

This study involves interpretation of variants in research participants for the purpose of population health screening. Participant phenotype was not available at the time of variant classification. Additional details can be found in publication PMID: 35346344, PMCID: PMC8962531

Ambry Genetics
Classification: Benign for Hereditary cancer-predisposing syndrome. Last evaluated: 2023-04-06. Review status: criteria provided, single submitter. Criteria: Ambry Variant Classification Scheme 2023. Collection method: clinical testing. Allele origin: germline.

GeneDx
Classification: Uncertain significance. Last evaluated: 2022-12-28. Review status: criteria provided, single submitter. Criteria: GeneDx Variant Classification Process June 2021. Collection method: clinical testing. Allele origin: germline. Affected: yes.
Comment: In silico analysis supports that this missense variant does not alter protein structure/function; Also known as 5379G>C; Published functional studies demonstrate no damaging effect: variant classified as functional based on a saturation genome editing (SGE) assay measuring cell survival (Findlay et al., 2018); This variant is associated with the following publications: (PMID: 30209399, 10220405, 24389207, 9811458, 9738006, 10196224, 9974970, 11301010, 32377563, 29884841)

Counsyl
Classification: Uncertain significance for Breast-ovarian cancer, familial, susceptibility to, 1. Last evaluated: 2018-04-11. Review status: no assertion criteria provided. Collection method: clinical testing. Allele origin: unknown. Not counted in ClinVar's aggregate classification.

Brotman Baty Institute, University of Washington
No classification provided (evidence only). Condition: Breast-ovarian cancer, familial 1. Review status: no classification provided. Collection method: in vitro. Allele origin: not applicable. Functional consequence: functionally_normal. Not counted in ClinVar's aggregate classification.
ClinVar note: "not provided" was previously submitted as the classification for the variant. However, the classification appeared to be based only on an observation of functional data so it was converted to no classification on 2025-07-30.

Literature cited by the submitters: PubMed 30209399 (cited by 3 submitters); PubMed 25085752 (cited by Myriad Genetics, Inc.); PubMed 39142283 (cited by Lupski Lab, Baylor-Hopkins CMG, Baylor College of Medicine); PubMed 34793697 (cited by Lupski Lab, Baylor-Hopkins CMG, Baylor College of Medicine); DOI 10.1101/2024.04.11.24305690 (cited by Lupski Lab, Baylor-Hopkins CMG, Baylor College of Medicine).